The following is an entry in ClinVar:

ClinVar aggregate classification (germline): Conflicting classifications of pathogenicity. Review status: criteria provided, conflicting classifications (1 of 4 stars). 2 submissions from 2 submitters: Uncertain significance (1); Likely benign (1). Last evaluated 2025-08-10.

Conditions:
Inborn genetic diseases. Identifiers: MedGen C0950123, MeSH D030342.

Allele frequency attached by ClinVar (database versions not stated): ExAC 0.00002; TOPMed 0.00002.
gnomAD v4.1: 34 of 1,609,018 alleles (0.0021%); highest among the groups gnomAD compares: East Asian, 0.018%; no homozygotes.

Submissions (2):

Labcorp Genetics (formerly Invitae), Labcorp
Classification: Uncertain significance. Last evaluated: 2025-08-10. Review status: criteria provided, single submitter. Criteria: Invitae Variant Classification Sherloc (09022015). Collection method: clinical testing. Allele origin: germline.
Comment: This sequence change replaces alanine, which is neutral and non-polar, with threonine, which is neutral and polar, at codon 513 of the KDM1A protein (p.Ala513Thr). This variant is present in population databases (rs758354898, gnomAD 0.02%). This variant has not been reported in the literature in individuals affected with KDM1A-related conditions. ClinVar contains an entry for this variant (Variation ID: 2176115). Invitae Evidence Modeling of protein sequence and biophysical properties (such as structural, functional, and spatial information, amino acid conservation, physicochemical variation, residue mobility, and thermodynamic stability) indicates that this missense variant is not expected to disrupt KDM1A protein function with a negative predictive value of 80%. In summary, the available evidence is currently insufficient to determine the role of this variant in disease. Therefore, it has been classified as a Variant of Uncertain Significance.

Ambry Genetics
Classification: Likely benign for Inborn genetic diseases. Last evaluated: 2025-02-08. Review status: criteria provided, single submitter. Criteria: Ambry Variant Classification Scheme 2023. Collection method: clinical testing. Allele origin: germline.

NM_001009999.3(KDM1A):c.1537G>A (p.Ala513Thr)

Gene: KDM1A (lysine demethylase 1A; plus strand). Cytogenetic location: 1p36.12.
Variant type: single nucleotide variant.
Coding change: c.1537G>A on transcript NM_001009999.3 (MANE Select); coding-DNA position 1537, G replaced by A.
Protein change: p.Ala513Thr; replaces alanine 513 with threonine.
Molecular consequence: missense variant.
Genome position (GRCh38, 1-based): chr1:23,071,348, G>A. VCF-style: chr1-23071348-G-A. GRCh37 (hg19) VCF-style: chr1-23397841-G-A.
Other names: c.1537G>A (NM_001009999.2); c.1465G>A, p.Ala489Thr (NM_001363654.2, NM_001410763.1, NM_015013.4); c.1525G>A, p.Ala509Thr (NM_001410762.1); short protein forms A513T, A509T, A489T.
Identifiers: ClinVar variation 2176115 (VCV002176115.7), dbSNP rs758354898, ClinGen allele CA679747.
Genomic context (GRCh38, chr1:23,071,348, plus strand): 5'-AAGCCACCCAGAGATATTACTGCCGAGTTCTTAGTGAAAAGCAAACACAGGGATCTGACC[G>A]CCCTATGCAAGGTGTGGTATACATACATGCCTAACTGGTTTTACTTGGAATCCTAAGAAA-3'
Protein context (NP_001009999.1, residues 503-523): LVKSKHRDLT[Ala513Thr]LCKEYDELAE